The following is an entry in ClinVar:

ClinVar aggregate classification (germline): Uncertain significance (1 of 4 stars; one submission).

Conditions:
Vitamin B2 deficiency. Identifiers: MedGen C0035528.

gnomAD v4.1: 25 of 1,614,078 alleles (0.0015%); highest among the groups gnomAD compares: Non-Finnish European, 0.002%; no homozygotes.

Submission:

Labcorp Genetics (formerly Invitae), Labcorp
Classification: Uncertain significance for Vitamin B2 deficiency. Last evaluated: 2025-07-27. Review status: criteria provided, single submitter. Criteria: Invitae Variant Classification Sherloc (09022015). Collection method: clinical testing. Allele origin: germline.
Comment: This sequence change affects codon 226 of the SLC52A1 mRNA. It is a 'silent' change, meaning that it does not change the encoded amino acid sequence of the SLC52A1 protein. This variant is not present in population databases (gnomAD no frequency). This variant has not been reported in the literature in individuals affected with SLC52A1-related conditions. Algorithms developed to predict the effect of sequence changes on RNA splicing suggest that this variant may create or strengthen a splice site. In summary, the available evidence is currently insufficient to determine the role of this variant in disease. Therefore, it has been classified as a Variant of Uncertain Significance.

NM_017986.4(SLC52A1):c.678A>C (p.Thr226=)

Gene: SLC52A1 (solute carrier family 52 member 1; minus strand). Cytogenetic location: 17p13.2.
Variant type: single nucleotide variant.
Coding change: c.678A>C on transcript NM_017986.4 (MANE Select); coding-DNA position 678, A replaced by C.
Protein change: p.Thr226=; no amino-acid change (threonine 226 retained).
Molecular consequence: synonymous variant.
Genome position (GRCh38, 1-based): chr17:5,033,811, T>G on the plus strand (A>C on the coding strand, the complement: SLC52A1 is on the minus strand). VCF-style: chr17-5033811-T-G. GRCh37 (hg19) VCF-style: chr17-4937106-T-G.
Other names: c.678A>C, p.Thr226= (NM_001104577.2).
Identifiers: ClinVar variation 4702454 (VCV004702454.1).